The following is an entry in ClinVar:

ClinVar aggregate classification (germline): Uncertain significance (1 of 4 stars; one submission).

Allele frequency attached by ClinVar (database versions not stated): gnomAD 0.00001; TOPMed 0.00001.
gnomAD v4.1: 3 of 1,612,260 alleles (0.00019%); highest among the groups gnomAD compares: East Asian, 0.0045%; no homozygotes.

Submission:

Labcorp Genetics (formerly Invitae), Labcorp
Classification: Uncertain significance. Last evaluated: 2020-03-10. Review status: criteria provided, single submitter. Criteria: Invitae Variant Classification Sherloc (09022015). Collection method: clinical testing. Allele origin: germline.
Comment: This sequence change replaces glutamic acid with lysine at codon 1615 of the SZT2 protein (p.Glu1615Lys). The glutamic acid residue is moderately conserved and there is a small physicochemical difference between glutamic acid and lysine. In summary, the available evidence is currently insufficient to determine the role of this variant in disease. Therefore, it has been classified as a Variant of Uncertain Significance. Algorithms developed to predict the effect of missense changes on protein structure and function (SIFT, PolyPhen-2, Align-GVGD) all suggest that this variant is likely to be tolerated, but these predictions have not been confirmed by published functional studies and their clinical significance is uncertain. This variant has not been reported in the literature in individuals with SZT2-related conditions. This variant is not present in population databases (ExAC no frequency).

NM_001365999.1(SZT2):c.5014G>A (p.Glu1672Lys)

Gene: SZT2 (SZT2 subunit of KICSTOR complex; plus strand). Cytogenetic location: 1p34.2.
Variant type: single nucleotide variant.
Coding change: c.5014G>A on transcript NM_001365999.1 (MANE Select); coding-DNA position 5014, G replaced by A.
Protein change: p.Glu1672Lys; replaces glutamic acid 1672 with lysine.
Molecular consequence: missense variant.
Genome position (GRCh38, 1-based): chr1:43,431,362, G>A. VCF-style: chr1-43431362-G-A. GRCh37 (hg19) VCF-style: chr1-43897033-G-A.
Other names: c.4843G>A, p.Glu1615Lys (NM_015284.4); short protein forms E1615K, E1672K.
Identifiers: ClinVar variation 1062922 (VCV001062922.9), dbSNP rs1653851107, ClinGen allele CA340023196.